The following is an entry in ClinVar:

ClinVar aggregate classification (germline): Uncertain significance (1 of 4 stars; one submission).

Submission:

GeneDx
Classification: Uncertain significance. Last evaluated: 2023-01-10. Review status: criteria provided, single submitter. Criteria: GeneDx Variant Classification Process June 2021. Collection method: clinical testing. Allele origin: germline. Affected: yes.
Comment: Not observed at significant frequency in large population cohorts (gnomAD); In silico analysis supports that this missense variant does not alter protein structure/function; Has not been previously published as pathogenic or benign to our knowledge

NM_001372044.2(SHANK3):c.5287C>T (p.Arg1763Cys)

Gene: SHANK3 (SH3 and multiple ankyrin repeat domains 3; plus strand). Cytogenetic location: 22q13.33.
Variant type: single nucleotide variant.
Coding change: c.5287C>T on transcript NM_001372044.2 (MANE Select); coding-DNA position 5287, C replaced by T.
Protein change: p.Arg1763Cys; replaces arginine 1763 with cysteine.
Molecular consequence: missense variant.
Genome position (GRCh38, 1-based): chr22:50,731,178, C>T. VCF-style: chr22-50731178-C-T. GRCh37 (hg19) VCF-style: chr22-51169606-C-T.
Other names: c.5062C>T, p.Arg1688Cys (NM_033517.1); short protein forms R1688C, R1763C.
Identifiers: ClinVar variation 2571768 (VCV002571768.1), dbSNP rs2518439744, ClinGen allele CA515267850.
Genomic context (GRCh38, chr22:50,731,178, plus strand): 5'-TGGAGCAAGTTCGACGTGGGCGACTGGCTGGAGAGCATCCACCTAGGCGAGCACCGCGAC[C>T]GCTTCGAGGACCATGAGATAGAAGGCGCGCACCTACCCGCGCTTACCAAGGACGACTTCG-3'
Protein context (NP_001358973.1, residues 1753-1773): ESIHLGEHRD[Arg1763Cys]FEDHEIEGAH